The following is an entry in ClinVar:

ClinVar aggregate classification (germline): Pathogenic (1 of 4 stars; one submission).

Submission:

GeneDx
Classification: Pathogenic. Last evaluated: 2024-08-01. Review status: criteria provided, single submitter. Criteria: GeneDx Variant Classification Process June 2021. Collection method: clinical testing. Allele origin: germline. Affected: yes.
Comment: Frameshift variant predicted to result in protein truncation or nonsense mediated decay in a gene for which loss of function is a known mechanism of disease; Not observed at significant frequency in large population cohorts (gnomAD); This variant is associated with the following publications: (PMID: 24456035)

NM_001004434.3(SLC30A2):c.663del (p.Phe221fs)

Gene: SLC30A2 (solute carrier family 30 member 2; minus strand). Cytogenetic location: 1p36.11.
Variant type: Deletion.
Coding change: c.663del on transcript NM_001004434.3 (MANE Select); coding-DNA position 663, one base deleted (C; older notation c.663delC).
Protein change: p.Phe221fs; shifts the reading frame from phenylalanine 221.
Molecular consequence: frameshift variant.
Genome position (GRCh38, 1-based): chr1:26,042,618, G deleted on the plus strand (C on the coding strand, the reverse complement: SLC30A2 is on the minus strand). VCF-style (leftmost placement, unchanged base first): chr1-26042617-TG-T. GRCh37 (hg19) VCF-style: chr1-26369108-TG-T.
Other names: c.516del, p.Phe172fs (NM_032513.5); short protein forms F172fs, F221fs.
Identifiers: ClinVar variation 3602182 (VCV003602182.1).